The following is an entry in ClinVar:

ClinVar aggregate classification (germline): Conflicting classifications of pathogenicity. Review status: criteria provided, conflicting classifications (1 of 4 stars). 5 submissions from 5 submitters: Uncertain significance (4); Likely benign (1). Last evaluated 2025-12-15.

Conditions:
Hereditary cancer-predisposing syndrome. Also called: Hereditary neoplastic syndrome; Neoplastic Syndromes, Hereditary; Tumor predisposition; Hereditary Cancer Syndrome. Identifiers: Orphanet 140162, MedGen C0027672, MeSH D009386, MONDO:0015356.
Autosomal recessive nonsyndromic hearing loss 97. Also called: Deafness, autosomal recessive 97. Identifiers: Orphanet 90636, MedGen C4084709, MONDO:0014739, OMIM 616705.
Renal cell carcinoma. Identifiers: Orphanet 217071, MedGen C0007134, MeSH D002292, MONDO:0005086, HP:0005584.
Papillary renal cell carcinoma type 1 (RCCP1). Also called: RENAL CELL CARCINOMA, PAPILLARY, 1, SOMATIC; Renal adenocarcinoma; Renal cell carcinoma 1; Renal cell carcinoma, somatic. Identifiers: Orphanet 47044, MedGen C1336839, OMIM 605074, HP:0011797.

Allele frequency attached by ClinVar (database versions not stated): ExAC 0.00003; gnomAD 0.00003; gnomAD exomes 0.00003; TOPMed 0.00004.
gnomAD v4.1: 41 of 1,614,040 alleles (0.0025%); highest among the groups gnomAD compares: Non-Finnish European, 0.0034%; 1 homozygote.

Submissions (5):

Labcorp Genetics (formerly Invitae), Labcorp
Classification: Uncertain significance for Renal cell carcinoma. Last evaluated: 2025-12-15. Review status: criteria provided, single submitter. Criteria: Invitae Variant Classification Sherloc (09022015). Collection method: clinical testing. Allele origin: germline.
Comment: This sequence change replaces serine, which is neutral and polar, with asparagine, which is neutral and polar, at codon 1092 of the MET protein (p.Ser1092Asn). This variant is present in population databases (rs752641437, gnomAD 0.006%). This variant has not been reported in the literature in individuals affected with MET-related conditions. ClinVar contains an entry for this variant (Variation ID: 246637). Invitae Evidence Modeling of protein sequence and biophysical properties (such as structural, functional, and spatial information, amino acid conservation, physicochemical variation, residue mobility, and thermodynamic stability) indicates that this missense variant is not expected to disrupt MET protein function with a negative predictive value of 80%. In summary, the available evidence is currently insufficient to determine the role of this variant in disease. Therefore, it has been classified as a Variant of Uncertain Significance.

GeneDx
Classification: Uncertain significance. Last evaluated: 2025-01-22. Review status: criteria provided, single submitter. Criteria: GeneDx Variant Classification Process June 2021. Collection method: clinical testing. Allele origin: germline. Affected: yes.
Comment: In silico analysis indicates that this missense variant does not alter protein structure/function; Has not been previously published as pathogenic or benign to our knowledge

Baylor Genetics
Classification: Uncertain significance for Autosomal recessive nonsyndromic hearing loss 97. Last evaluated: 2024-03-06. Review status: criteria provided, single submitter. Criteria: ACMG Guidelines, 2015. Collection method: clinical testing. Allele origin: unknown.

Ambry Genetics
Classification: Likely benign for Hereditary cancer-predisposing syndrome. Last evaluated: 2023-02-28. Review status: criteria provided, single submitter. Criteria: Ambry Variant Classification Scheme 2023. Collection method: clinical testing. Allele origin: germline.

St. Jude Molecular Pathology, St. Jude Children's Research Hospital
Classification: Uncertain significance for Papillary renal cell carcinoma type 1. Last evaluated: 2022-07-07. Review status: criteria provided, single submitter. Criteria: St. Jude Assertion Criteria 2020. Collection method: clinical testing. Allele origin: germline.
Comment: The MET c.3275G>A (p.Ser1092Asn) missense change has a maximum subpopulation frequency of 0.0071% in gnomAD v2.1.1. The in silico tool REVEL predicts a benign effect on protein function, but to our knowledge this prediction has not been confirmed by functional studies. To our knowledge, this variant has not been reported in individuals with hereditary papillary renal cell carcinoma. In summary, the evidence currently available is insufficient to determine the clinical significance of this variant. It has therefore been classified as of uncertain significance.

NM_000245.4(MET):c.3221G>A (p.Ser1074Asn)

Gene: MET (MET proto-oncogene, receptor tyrosine kinase; plus strand). Cytogenetic location: 7q31.2.
Variant type: single nucleotide variant.
Coding change: c.3221G>A on transcript NM_000245.4 (MANE Select); coding-DNA position 3221, G replaced by A.
Protein change: p.Ser1074Asn; replaces serine 1074 with asparagine.
Molecular consequence: missense variant.
Genome position (GRCh38, 1-based): chr7:116,775,073, G>A. VCF-style: chr7-116775073-G-A. GRCh37 (hg19) VCF-style: chr7-116415127-G-A.
Other names: c.3275G>A (LRG_662t1); c.3275G>A, p.Ser1092Asn (NM_001127500.3); c.1931G>A, p.Ser644Asn (NM_001324402.2); short protein forms S1092N, S644N, S1074N.
Identifiers: ClinVar variation 246637 (VCV000246637.16), dbSNP rs752641437, ClinGen allele CA4448665.